The following is an entry in ClinVar:

NM_001127511.3(APC):c.165+20531T>G

Gene: APC (APC regulator of Wnt signaling pathway; plus strand). Cytogenetic location: 5q22.2.
Variant type: single nucleotide variant.
Coding change: c.165+20531T>G on transcript NM_001127511.3; 20531 bases into the intron after coding-DNA position 165, T replaced by G.
Molecular consequence: intron variant.
Genome position (GRCh38, 1-based): chr5:112,728,413, T>G. VCF-style: chr5-112728413-T-G. GRCh37 (hg19) VCF-style: chr5-112064110-T-G.
Other names: c.-19+20764T>G (NM_001407457.1, NM_001407458.1, NM_001407448.1 and 1 more transcripts); c.-43+20764T>G (NM_001407453.1); c.-19+20531T>G (NM_001354895.2, NM_001407456.1, NM_001407460.1 and 3 more transcripts); c.165+20531T>G (NM_001407446.1, NM_001354897.2, NM_001354902.2); c.-1054+20531T>G (NM_001407470.1, NM_001407472.1).
Identifiers: ClinVar variation 82706 (VCV000082706.4), dbSNP rs77906590, ClinGen allele CA023489.

ClinVar aggregate classification (germline): other (0 of 4 stars; one submission).

Conditions:
Familial colorectal cancer. Identifiers: MedGen CN280943, MONDO:0023113. Disease mechanism: loss of function.

Submission:

Systems Biology Platform Zhejiang California International NanoSystems Institute
Classification: other for Familial colorectal cancer. Review status: no assertion criteria provided. Collection method: not provided. Allele origin: unknown.
ClinVar note: Converted during submission from cancer to other.